The following is an entry in ClinVar:

NM_145290.4(ADGRA3):c.559G>C (p.Glu187Gln)

Gene: ADGRA3 (adhesion G protein-coupled receptor A3; minus strand). Cytogenetic location: 4p15.2.
Variant type: single nucleotide variant.
Coding change: c.559G>C on transcript NM_145290.4 (MANE Select); coding-DNA position 559, G replaced by C.
Protein change: p.Glu187Gln; replaces glutamic acid 187 with glutamine.
Molecular consequence: missense variant.
Genome position (GRCh38, 1-based): chr4:22,445,120, C>G on the plus strand (G>C on the coding strand, the complement: ADGRA3 is on the minus strand). VCF-style: chr4-22445120-C-G. GRCh37 (hg19) VCF-style: chr4-22446743-C-G.
Other names: short protein forms E187Q.
Identifiers: ClinVar variation 1001573 (VCV001001573.10), dbSNP rs771978768, ClinGen allele CA2874199.

ClinVar aggregate classification (germline): Uncertain significance (1 of 4 stars; one submission).

Allele frequency attached by ClinVar (database versions not stated): gnomAD exomes below 0.00001 and 0.00001; ExAC 0.00001.
gnomAD v4.1: 6 of 1,613,666 alleles (0.00037%); highest among the groups gnomAD compares: Non-Finnish European, 0.00051%; no homozygotes.

Submission:

Labcorp Genetics (formerly Invitae), Labcorp
Classification: Uncertain significance. Last evaluated: 2024-04-22. Review status: criteria provided, single submitter. Criteria: Invitae Variant Classification Sherloc (09022015). Collection method: clinical testing. Allele origin: germline.
Comment: This sequence change replaces glutamic acid, which is acidic and polar, with glutamine, which is neutral and polar, at codon 187 of the ADGRA3 protein (p.Glu187Gln). This variant is present in population databases (rs771978768, gnomAD 0.002%). This variant has not been reported in the literature in individuals affected with ADGRA3-related conditions. ClinVar contains an entry for this variant (Variation ID: 1001573). An algorithm developed to predict the effect of missense changes on protein structure and function (PolyPhen-2) suggests that this variant is likely to be tolerated. In summary, the available evidence is currently insufficient to determine the role of this variant in disease. Therefore, it has been classified as a Variant of Uncertain Significance.